The following is an entry in ClinVar:

NM_004006.3(DMD):c.2607G>T (p.Gln869His)

Gene: DMD (dystrophin; minus strand). Cytogenetic location: Xp21.1.
Variant type: single nucleotide variant.
Coding change: c.2607G>T on transcript NM_004006.3 (MANE Select); coding-DNA position 2607, G replaced by T.
Protein change: p.Gln869His; replaces glutamine 869 with histidine.
Molecular consequence: missense variant.
Genome position (GRCh38, 1-based): chrX:32,491,292, C>A on the plus strand (G>T on the coding strand, the complement: DMD is on the minus strand). VCF-style: chrX-32491292-C-A. GRCh37 (hg19) VCF-style: chrX-32509409-C-A.
Other names: c.2583G>T, p.Gln861His (NM_000109.4); c.2595G>T, p.Gln865His (NM_004009.3); c.2238G>T, p.Gln746His (NM_004010.3); short protein forms Q861H, Q869H, Q865H, Q746H.
Identifiers: ClinVar variation 642774 (VCV000642774.7), dbSNP rs398123898, ClinGen allele CA412671849.
Genomic context (GRCh38, chrX:32,491,292, plus strand): 5'-ATACCTATTGATTATGCTCCAAATGGAAGGAGAAGAGATTCTTACCTTACAAATTTTTAA[C>A]TGACTTTTAATTGCTGTTGGCTCTGATGGGGTGGTGGGTTGGATTTTCAACCAGTTTTCA-3'
Protein context (NP_003997.2, residues 859-879): TPSEPTAIKS[Gln869His]LKICKDEVNR

ClinVar aggregate classification (germline): Uncertain significance. Review status: criteria provided, single submitter (1 of 4 stars). 2 submissions from 2 submitters: Uncertain significance (1). 1 of the submissions does not count toward it. Last evaluated 2022-08-15.

Conditions:
Cardiomyopathy (CMYO). Also called: Cardiomyopathies. Identifiers: Orphanet 167848, MedGen C0878544, MONDO:0004994, HP:0001638. Inheritance: Various modes of inheritance.
Duchenne muscular dystrophy (DMD). Also called: MUSCULAR DYSTROPHY, PSEUDOHYPERTROPHIC PROGRESSIVE, DUCHENNE TYPE; Duchenne Muscular Dystrophy (DMD). Identifiers: Orphanet 98896, MedGen C0013264, MONDO:0010679, OMIM 310200.
Becker muscular dystrophy (BMD). Also called: MUSCULAR DYSTROPHY, PSEUDOHYPERTROPHIC PROGRESSIVE, BECKER TYPE; Becker Muscular Dystrophy (BMD). Identifiers: Orphanet 98895, MedGen C0917713, MONDO:0010311, OMIM 300376.
Dystrophin deficiency.

Submissions (2):

Labcorp Genetics (formerly Invitae), Labcorp
Classification: Uncertain significance for Duchenne muscular dystrophy. Last evaluated: 2022-08-15. Review status: criteria provided, single submitter. Criteria: Invitae Variant Classification Sherloc (09022015). Collection method: clinical testing. Allele origin: germline.
Comment: This sequence change replaces glutamine, which is neutral and polar, with histidine, which is basic and polar, at codon 869 of the DMD protein (p.Gln869His). This variant is not present in population databases (gnomAD no frequency). This variant has not been reported in the literature in individuals affected with DMD-related conditions. ClinVar contains an entry for this variant (Variation ID: 642774). Algorithms developed to predict the effect of missense changes on protein structure and function are either unavailable or do not agree on the potential impact of this missense change (SIFT: "Deleterious"; PolyPhen-2: "Possibly Damaging"; Align-GVGD: "Class C0"). In summary, the available evidence is currently insufficient to determine the role of this variant in disease. Therefore, it has been classified as a Variant of Uncertain Significance.

Natera, Inc.
Classification: Uncertain significance for Becker muscular dystrophy; Cardiomyopathy; Duchenne muscular dystrophy; Dystrophin deficiency. Last evaluated: 2021-01-20. Review status: no assertion criteria provided. Collection method: clinical testing. Allele origin: germline. Not counted in ClinVar's aggregate classification.